The following is an entry in ClinVar:

ClinVar aggregate classification (germline): Uncertain significance (1 of 4 stars; one submission).

Allele frequency attached by ClinVar (database versions not stated): gnomAD 0.00001; TOPMed 0.00001.
gnomAD v4.1: 7 of 1,613,928 alleles (0.00043%); highest among the groups gnomAD compares: Admixed American, 0.0017%; no homozygotes.

Submission:

Labcorp Genetics (formerly Invitae), Labcorp
Classification: Uncertain significance. Last evaluated: 2023-02-20. Review status: criteria provided, single submitter. Criteria: Invitae Variant Classification Sherloc (09022015). Collection method: clinical testing. Allele origin: germline.
Comment: This variant has not been reported in the literature in individuals affected with NTRK2-related conditions. This variant is present in population databases (rs752190523, gnomAD 0.004%). This sequence change falls in intron 10 of the NTRK2 gene. It does not directly change the encoded amino acid sequence of the NTRK2 protein. It affects a nucleotide within the consensus splice site. In summary, the available evidence is currently insufficient to determine the role of this variant in disease. Therefore, it has been classified as a Variant of Uncertain Significance. Variants that disrupt the consensus splice site are a relatively common cause of aberrant splicing (PMID: 17576681, 9536098). Algorithms developed to predict the effect of sequence changes on RNA splicing suggest that this variant is not likely to affect RNA splicing.

Literature cited by the submitters: PubMed 17576681; PubMed 9536098.

NM_006180.6(NTRK2):c.853+4C>T

Gene: NTRK2 (neurotrophic receptor tyrosine kinase 2; plus strand). Cytogenetic location: 9q21.33.
Variant type: single nucleotide variant.
Coding change: c.853+4C>T on transcript NM_006180.6 (MANE Select); 4 bases into the intron after coding-DNA position 853, C replaced by T.
Molecular consequence: intron variant.
Genome position (GRCh38, 1-based): chr9:84,724,360, C>T. VCF-style: chr9-84724360-C-T. GRCh37 (hg19) VCF-style: chr9-87339275-C-T.
Other names: c.853+4C>T (NM_001369532.1, NM_001369533.1, NM_001018066.3 and 18 more transcripts); c.385+4C>T (NM_001369536.1, NM_001369535.1, NM_001369550.1 and 2 more transcripts).
Identifiers: ClinVar variation 2812170 (VCV002812170.3), dbSNP rs752190523, ClinGen allele CA5105583.